The following is an entry in ClinVar:

NM_015021.3(ZNF292):c.4943T>G (p.Val1648Gly)

Gene: ZNF292 (zinc finger protein 292; plus strand). Cytogenetic location: 6q14.3.
Variant type: single nucleotide variant.
Coding change: c.4943T>G on transcript NM_015021.3 (MANE Select); coding-DNA position 4943, T replaced by G.
Protein change: p.Val1648Gly; replaces valine 1648 with glycine.
Molecular consequence: missense variant.
Genome position (GRCh38, 1-based): chr6:87,258,572, T>G. VCF-style: chr6-87258572-T-G. GRCh37 (hg19) VCF-style: chr6-87968290-T-G.
Other names: c.4523T>G, p.Val1508Gly (NM_001351444.2); short protein forms V1508G, V1648G.
Identifiers: ClinVar variation 2505791 (VCV002505791.1), dbSNP rs2482335833, ClinGen allele CA364930624.

ClinVar aggregate classification (germline): Uncertain significance (1 of 4 stars; one submission).

Submission:

GeneDx
Classification: Uncertain significance. Last evaluated: 2022-12-14. Review status: criteria provided, single submitter. Criteria: GeneDx Variant Classification Process June 2021. Collection method: clinical testing. Allele origin: germline. Affected: yes.
Comment: Not observed at significant frequency in large population cohorts (gnomAD); In silico analysis supports that this missense variant does not alter protein structure/function; Has not been previously published as pathogenic or benign to our knowledge